The following is an entry in ClinVar:

NM_000095.3(COMP):c.1441C>T (p.Arg481Trp)

Gene: COMP (cartilage oligomeric matrix protein; minus strand). Cytogenetic location: 19p13.11.
Variant type: single nucleotide variant.
Coding change: c.1441C>T on transcript NM_000095.3 (MANE Select); coding-DNA position 1441, C replaced by T.
Protein change: p.Arg481Trp; replaces arginine 481 with tryptophan.
Molecular consequence: missense variant.
Genome position (GRCh38, 1-based): chr19:18,786,013, G>A on the plus strand (C>T on the coding strand, the complement: COMP is on the minus strand). VCF-style: chr19-18786013-G-A. GRCh37 (hg19) VCF-style: chr19-18896823-G-A.
Other names: short protein forms R481W.
Identifiers: ClinVar variation 1498565 (VCV001498565.6), dbSNP rs762683869, ClinGen allele CA9316422.

ClinVar aggregate classification (germline): Uncertain significance (1 of 4 stars; one submission).

Allele frequency attached by ClinVar (database versions not stated): gnomAD exomes below 0.00001; ExAC 0.00001; TOPMed 0.00001; gnomAD 0.00002.
gnomAD v4.1: 7 of 1,612,168 alleles (0.00043%); highest among the groups gnomAD compares: Admixed American, 0.0033%; no homozygotes.

Submission:

Labcorp Genetics (formerly Invitae), Labcorp
Classification: Uncertain significance. Last evaluated: 2025-04-21. Review status: criteria provided, single submitter. Criteria: Invitae Variant Classification Sherloc (09022015). Collection method: clinical testing. Allele origin: germline.
Comment: This sequence change replaces arginine, which is basic and polar, with tryptophan, which is neutral and slightly polar, at codon 481 of the COMP protein (p.Arg481Trp). This variant is present in population databases (rs762683869, gnomAD 0.003%). This variant has not been reported in the literature in individuals affected with COMP-related conditions. ClinVar contains an entry for this variant (Variation ID: 1498565). Invitae Evidence Modeling of protein sequence and biophysical properties (such as structural, functional, and spatial information, amino acid conservation, physicochemical variation, residue mobility, and thermodynamic stability) indicates that this missense variant is not expected to disrupt COMP protein function with a negative predictive value of 80%. In summary, the available evidence is currently insufficient to determine the role of this variant in disease. Therefore, it has been classified as a Variant of Uncertain Significance.